The following is an entry in ClinVar:

ClinVar aggregate classification (germline): Uncertain significance (1 of 4 stars; one submission).

Conditions:
Cardiomyopathy (CMYO). Also called: Cardiomyopathies. Identifiers: Orphanet 167848, MedGen C0878544, MONDO:0004994, HP:0001638. Inheritance: Various modes of inheritance.

Submissions (3):

Color Diagnostics, LLC DBA Color Health
Classification: Uncertain significance for Cardiomyopathy. Last evaluated: 2021-02-01. Review status: criteria provided, single submitter. Criteria: ACMG Guidelines, 2015. Collection method: clinical testing. Allele origin: germline.
Comment: This variant causes a G to A nucleotide substitution at the +1 position of intron 13 of the PRKAG2 gene. Splice site prediction tools predict that this variant may have a significant impact on RNA splicing. To our knowledge, functional studies have not been reported for this variant. This variant has not been reported in individuals affected with cardiovascular disorders in the literature. This variant has not been identified in the general population by the Genome Aggregation Database (gnomAD). Clinical relevance of loss-of-function truncation and splice variants in the PRKAG2 gene is not clearly established. The available evidence is insufficient to determine the role of this variant in disease conclusively. Therefore, this variant is classified as a Variant of Uncertain Significance.

Dr. Peter K. Rogan Lab, Western University
No classification provided (evidence only). Condition: Nonpapillary renal cell carcinoma. Review status: no classification provided. Collection method: in vitro. Allele origin: not applicable. Functional consequence: retained intron. Not counted in ClinVar's aggregate classification.

Dr. Peter K. Rogan Lab, Western University
No classification provided (evidence only). Condition: Nonpapillary renal cell carcinoma. Review status: no classification provided. Collection method: in vitro. Allele origin: not applicable. Functional consequence: retained intron. Not counted in ClinVar's aggregate classification.

NM_016203.4(PRKAG2):c.1437+1G>A

Gene: PRKAG2 (protein kinase AMP-activated non-catalytic subunit gamma 2; minus strand). Cytogenetic location: 7q36.1.
Variant type: single nucleotide variant.
Coding change: c.1437+1G>A on transcript NM_016203.4 (MANE Select); the canonical splice donor site of the intron after coding-DNA position 1437, G replaced by A.
Molecular consequence: splice donor variant.
Genome position (GRCh38, 1-based): chr7:151,565,345, C>T on the plus strand (G>A on the coding strand, the complement: PRKAG2 is on the minus strand). VCF-style: chr7-151565345-C-T. GRCh37 (hg19) VCF-style: chr7-151262431-C-T.
Other names: NC_000007.13:g.151262431C>T; c.1146+1G>A (NM_001407031.1); c.1149+1G>A (NM_001407030.1); c.1434+1G>A (NM_001407023.1, NM_001407022.1); c.1437+1G>A (NM_001407021.1); c.1119+1G>A (NM_001407032.1); c.1302+1G>A (NM_001407026.1, NM_001407027.1); c.1305+1G>A (NM_001040633.2, NM_001407024.1); and 7 more.
Identifiers: ClinVar variation 1171874 (VCV001171874.3), dbSNP rs2150993817, ClinGen allele CA370070759.